The following is an entry in ClinVar:

NM_000448.3(RAG1):c.40G>A (p.Ala14Thr)

Gene: RAG1 (recombination activating 1; plus strand). Cytogenetic location: 11p12.
Variant type: single nucleotide variant.
Coding change: c.40G>A on transcript NM_000448.3 (MANE Select); coding-DNA position 40, G replaced by A.
Protein change: p.Ala14Thr; replaces alanine 14 with threonine.
Molecular consequence: missense variant.
Genome position (GRCh38, 1-based): chr11:36,573,344, G>A. VCF-style: chr11-36573344-G-A. GRCh37 (hg19) VCF-style: chr11-36594894-G-A.
Other names: NM_000448.3(RAG1):c.40G>A; p.Ala14Thr; c.40G>A (NM_000448.2); c.40G>A, p.Ala14Thr (NM_001377277.1, NM_001377278.1, NM_001377279.1 and 1 more transcripts); short protein forms A14T.
Identifiers: ClinVar variation 1348464 (VCV001348464.8), dbSNP rs765396585, ClinGen allele CA5949893.

ClinVar aggregate classification (germline): Uncertain significance. Review status: reviewed by expert panel (3 of 4 stars). 3 submissions from 3 submitters: Uncertain significance (1). 2 of the submissions do not count toward it. Last evaluated 2024-04-23.

Conditions:
Recombinase activating gene 1 deficiency. Identifiers: MedGen CN375631, MONDO:0000572.
Combined immunodeficiency with skin granulomas. Identifiers: Orphanet 157949, MedGen C2673536, MONDO:0009306, OMIM 233650.
Severe combined immunodeficiency, autosomal recessive, T cell-negative, B cell-negative, NK cell-positive. Also called: SCID, T CELL-NEGATIVE, B CELL-NEGATIVE, NK CELL-POSITIVE; SCID, AR, T-cell negative, B-cell negative, NK cell-positive; Severe combined immunodeficiency due to complete RAG1/2 deficiency. Identifiers: Orphanet 331206, MedGen C1832322, MONDO:0011086, OMIM 601457.
Inborn genetic diseases. Identifiers: MedGen C0950123, MeSH D030342.

Allele frequency attached by ClinVar (database versions not stated): TOPMed 0.00001.
gnomAD v4.1: 1 of 1,614,068 alleles (0.000062%); highest among the groups gnomAD compares: Non-Finnish European, 0.000085%; no homozygotes.

Submissions (3):

ClinGen Severe Combined Immunodeficiency Variant Curation Expert Panel, ClinGen
Classification: Uncertain significance for Recombinase activating gene 1 deficiency. Last evaluated: 2024-04-23. Review status: reviewed by expert panel. Criteria: ClinGen SCID ACMG Specifications RAG1 V1.0.0. Collection method: curation. Allele origin: germline. Inheritance: Autosomal recessive inheritance.
Comment: The NM_000448.3:c.40G>A variant in RAG1 is a missense variant predicted to cause a substitution of alanine by threonine at amino acid 14 (p.Ala14Thr). The highest population minor allele frequency in gnomAD v2.1.1 is 0.000008797 (1/113676 alleles) in the European (non-Finnish) population, which is lower than the SCID-VCEP threshold (<0.000102) for PM2_Supporting. No homozygous individual has been observed in the gnomAD v2.1.1(PM2_Supporting). This variant has not been reported in the literature in individuals with SCID. In ClinVar, the variant was reported in one affected individual who didn't have a second RAG1 variant, and the variant was classified as a Variant of Uncertain Significance (Invitae, SCV002113580.2). There is no functional evidence for this variant. Due to insufficient evidence, this variant is classified as a variant of uncertain significance for SCID. ACMG/AMP criteria applied, as specified by the ClinGen SCID-VCEP: PM2_supporting (SCID VCEP specifications version 1.0).

Ambry Genetics
Classification: Uncertain significance for Inborn genetic diseases. Last evaluated: 2023-06-27. Review status: criteria provided, single submitter. Criteria: Ambry Variant Classification Scheme 2023. Collection method: clinical testing. Allele origin: germline. Not counted in ClinVar's aggregate classification.

Labcorp Genetics (formerly Invitae), Labcorp
Classification: Uncertain significance for Combined immunodeficiency with skin granulomas; Severe combined immunodeficiency, autosomal recessive, T cell-negative, B cell-negative, NK cell-positive. Last evaluated: 2022-03-19. Review status: criteria provided, single submitter. Criteria: Invitae Variant Classification Sherloc (09022015). Collection method: clinical testing. Allele origin: germline. Not counted in ClinVar's aggregate classification.
Comment: In summary, the available evidence is currently insufficient to determine the role of this variant in disease. Therefore, it has been classified as a Variant of Uncertain Significance. Advanced modeling of protein sequence and biophysical properties (such as structural, functional, and spatial information, amino acid conservation, physicochemical variation, residue mobility, and thermodynamic stability) performed at Invitae indicates that this missense variant is not expected to disrupt RAG1 protein function. This variant has not been reported in the literature in individuals affected with RAG1-related conditions. This variant is present in population databases (rs765396585, gnomAD 0.0009%). This sequence change replaces alanine, which is neutral and non-polar, with threonine, which is neutral and polar, at codon 14 of the RAG1 protein (p.Ala14Thr).